The following is an entry in ClinVar:

ClinVar aggregate classification (germline): Pathogenic. Review status: criteria provided, multiple submitters, no conflicts (2 of 4 stars). 7 submissions from 7 submitters: Pathogenic (6). 1 of the submissions does not count toward it. Last evaluated 2025-08-24.

Conditions:
Cardiovascular phenotype. Identifiers: MedGen CN230736.
Cardiac arrhythmia. Also called: Arrhythmia; Cardiac rhythm disease. Identifiers: MedGen C0003811, MONDO:0007263, HP:0011675.
Familial long QT syndrome (RWS). Also called: Congenital long QT syndrome; Romano-Ward syndrome; VENTRICULAR FIBRILLATION WITH PROLONGED QT INTERVAL. Identifiers: Orphanet 768, MedGen C1141890, MONDO:0019171.
Andersen Tawil syndrome (LQT7). Also called: ANDERSEN CARDIODYSRHYTHMIC PERIODIC PARALYSIS; Andersen Syndrome; Potassium-sensitive periodic paralysis, ventricular ectopy, and dysmorphic features; LONG QT SYNDROME 7; PERIODIC PARALYSIS, POTASSIUM-SENSITIVE CARDIODYSRHYTHMIC TYPE. Identifiers: Orphanet 37553, MedGen C1563715, MONDO:0008222, OMIM 170390.
Short QT syndrome type 3. Identifiers: Orphanet 51083, MedGen C1865018, MONDO:0012314, OMIM 609622.

Allele frequency attached by ClinVar (database versions not stated): TOPMed below 0.00001; gnomAD exomes below 0.00001.

Submissions (7):

Labcorp Genetics (formerly Invitae), Labcorp
Classification: Pathogenic for Short QT syndrome type 3; Andersen Tawil syndrome. Last evaluated: 2025-08-24. Review status: criteria provided, single submitter. Criteria: Invitae Variant Classification Sherloc (09022015). Collection method: clinical testing. Allele origin: germline.
Comment: This sequence change replaces arginine, which is basic and polar, with glutamine, which is neutral and polar, at codon 82 of the KCNJ2 protein (p.Arg82Gln). This variant is not present in population databases (gnomAD no frequency). This missense change has been observed in individuals with long QT syndrome and Andersen–Tawil syndrome (PMID: 16217063, 22589293, 22806368, 23516313, 23644778, 23867365, 24861851, 28003625). ClinVar contains an entry for this variant (Variation ID: 67569). Invitae Evidence Modeling of protein sequence and biophysical properties (such as structural, functional, and spatial information, amino acid conservation, physicochemical variation, residue mobility, and thermodynamic stability) indicates that this missense variant is expected to disrupt KCNJ2 protein function with a positive predictive value of 95%. Experimental studies have shown that this missense change affects KCNJ2 function (PMID: 16217063, 22589293). For these reasons, this variant has been classified as Pathogenic.

Institute of Medical Genetics and Applied Genomics, University Hospital Tübingen
Classification: Pathogenic for Andersen Tawil syndrome. Last evaluated: 2025-01-17. Review status: criteria provided, single submitter. Criteria: ACMG Guidelines, 2015. Collection method: clinical testing. Allele origin: germline. Inheritance: Autosomal dominant inheritance. Affected: yes.

Ambry Genetics
Classification: Pathogenic for Cardiovascular phenotype. Last evaluated: 2024-10-08. Review status: criteria provided, single submitter. Criteria: Ambry Variant Classification Scheme 2023. Collection method: clinical testing. Allele origin: germline.
Comment: The c.245G>A (p.R82Q) alteration is located in exon 2 (coding exon 1) of the KCNJ2 gene. This alteration results from a G to A substitution at nucleotide position 245, causing the arginine (R) at amino acid position 82 to be replaced by a glutamine (Q). for Andersen-Tawil syndrome; however, its clinical significance for KCNJ2-related short QT syndrome is uncertain. This variant was not reported in population-based cohorts in the Genome Aggregation Database (gnomAD). This alteration has been reported in an individual with long QT syndrome (Maltese, 2017). This variant has also been described in patients with Andersen-Tawil syndrome (ATS), including those with the cardiovascular phenotype (Davies, 2005; Kimura, 2012; Limberg, 2013). This amino acid position is highly conserved in available vertebrate species. Functional in vitro analyses have suggested that this variant demonstrates dominant negative effects (Davies, 2005; Kimura, 2012) This alteration is predicted to be deleterious by in silico analysis. Based on the available evidence, this alteration is classified as pathogenic.

Women's Health and Genetics/Laboratory Corporation of America, LabCorp
Classification: Pathogenic for Cardiac arrhythmia. Last evaluated: 2024-06-24. Review status: criteria provided, single submitter. Criteria: LabCorp Variant Classification Summary - May 2015. Collection method: clinical testing. Allele origin: germline.
Comment: Variant summary: KCNJ2 c.245G>A (p.Arg82Gln) results in a conservative amino acid change located in the potassium channel, inwardly rectifying, transmembrane domain (IPR040445) of the encoded protein sequence. Four of five in-silico tools predict a damaging effect of the variant on protein function. The variant was absent in 251488 control chromosomes. c.245G>A has been reported in the literature in the heterozygous state individuals affected with autosomal dominant Andersen-Tawil syndrome or Long QT syndrome and was de novo in at least one patient (e.g. Davies_2005, Tan_2012, Maltese_2017, Cornthwaite_2022, Kimura_2012). These data indicate that the variant is likely to be associated with disease. In vitro studies in X. laevis oocytes and CHO cells shows that this variant results in reduced potassium channel conductance compared to wildtype (e.g. Davies_2005, Kimura_2012). The following publications have been ascertained in the context of this evaluation (PMID: 36068917, 16217063, 22589293, 28003625, 22806368). ClinVar contains an entry for this variant (Variation ID: 67569). Based on the evidence outlined above, the variant was classified as pathogenic.

GeneDx
Classification: Pathogenic. Last evaluated: 2023-01-26. Review status: criteria provided, single submitter. Criteria: GeneDx Variant Classification Process June 2021. Collection method: clinical testing. Allele origin: germline. Affected: yes.
Comment: Reported in an individual with LQTS and no extra-cardiac findings; inherited from an unaffected mother (Maltese et al., 2017); In vitro studies demonstrate that expression of R82Q alone results in nonfunctional potassium channels whereas co-expresssion of R82Q and the wild-type protein results in a dominant negative effect (Davies et al., 2005); Not observed at significant frequency in large population cohorts (gnomAD); In silico analysis supports that this missense variant has a deleterious effect on protein structure/function; This variant is associated with the following publications: (PMID: 24383070, 16932562, 17341397, 22806368, 22589293, 28003625, 23644778, 16217063, 24861851, 29606556, 23516313, 31737537, 33623294, Garde2020[noPMID])

MVZ Martinsried, Medicover Genetics
Classification: Pathogenic for Andersen Tawil syndrome. Last evaluated: 2017-07-05. Review status: criteria provided, single submitter. Criteria: ACMG Guidelines, 2015. Collection method: clinical testing. Allele origin: unknown. Affected: yes.

Cardiovascular Biomedical Research Unit, Royal Brompton & Harefield NHS Foundation Trust
No classification provided. Condition: Familial long QT syndrome. Review status: no classification provided. Collection method: literature only. Allele origin: germline. Not counted in ClinVar's aggregate classification.
Comment: This variant has been reported in the following publications (PMID:16217063).

Literature cited by the submitters: PubMed 16217063 (cited by 4 submitters); PubMed 22589293 (cited by 3 submitters); PubMed 22806368 (cited by Labcorp Genetics (formerly Invitae), Labcorp and Women's Health and Genetics/Laboratory Corporation of America, LabCorp); PubMed 23516313 (cited by Labcorp Genetics (formerly Invitae), Labcorp); PubMed 23644778 (cited by Labcorp Genetics (formerly Invitae), Labcorp and Ambry Genetics); PubMed 23867365 (cited by Labcorp Genetics (formerly Invitae), Labcorp); PubMed 24861851 (cited by Labcorp Genetics (formerly Invitae), Labcorp); PubMed 28003625 (cited by 3 submitters); PubMed 36068917 (cited by Women's Health and Genetics/Laboratory Corporation of America, LabCorp); PubMed 22581653 (cited by Cardiovascular Biomedical Research Unit, Royal Brompton & Harefield NHS Foundation Trust).

NM_000891.3(KCNJ2):c.245G>A (p.Arg82Gln)

Gene: KCNJ2 (potassium inwardly rectifying channel subfamily J member 2; plus strand). Cytogenetic location: 17q24.3.
Variant type: single nucleotide variant.
Coding change: c.245G>A on transcript NM_000891.3 (MANE Select); coding-DNA position 245, G replaced by A.
Protein change: p.Arg82Gln; replaces arginine 82 with glutamine.
Molecular consequence: missense variant.
Genome position (GRCh38, 1-based): chr17:70,175,284, G>A. VCF-style: chr17-70175284-G-A. GRCh37 (hg19) VCF-style: chr17-68171425-G-A.
Other names: c.245G>A (LRG_328t1); short protein forms R82Q.
Identifiers: ClinVar variation 67569 (VCV000067569.22), dbSNP rs199473653, ClinGen allele CA329657.